The following is an entry in ClinVar:

ClinVar aggregate classification (germline): Pathogenic/Likely pathogenic. Review status: criteria provided, multiple submitters, no conflicts (2 of 4 stars). 2 submissions from 2 submitters: Pathogenic (1); Likely pathogenic (1). Last evaluated 2024-10-23.

Conditions:
Cone-rod dystrophy 15 (CORD15). Identifiers: MedGen C3150912, MONDO:0013348, OMIM 613660.

Allele frequency attached by ClinVar (database versions not stated): gnomAD exomes below 0.00001 and 0.00001; ExAC 0.00001.
gnomAD v4.1: 6 of 1,613,698 alleles (0.00037%); highest among the groups gnomAD compares: Admixed American, 0.0033%; no homozygotes.

Submissions (2):

Labcorp Genetics (formerly Invitae), Labcorp
Classification: Likely pathogenic. Last evaluated: 2024-10-23. Review status: criteria provided, single submitter. Criteria: Invitae Variant Classification Sherloc (09022015). Collection method: clinical testing. Allele origin: germline.
Comment: This sequence change affects an acceptor splice site in intron 1 of the CDHR1 gene. It is expected to disrupt RNA splicing. Variants that disrupt the donor or acceptor splice site typically lead to a loss of protein function (PMID: 16199547), and loss-of-function variants in CDHR1 are known to be pathogenic (PMID: 23044944, 23591405, 26103963, 26261414). This variant is present in population databases (rs751972593, gnomAD 0.006%). Disruption of this splice site has been observed in individual(s) with retinitis pigmentosa (PMID: 28765526). ClinVar contains an entry for this variant (Variation ID: 1481629). Algorithms developed to predict the effect of sequence changes on RNA splicing suggest that this variant may disrupt the consensus splice site. In summary, the currently available evidence indicates that the variant is pathogenic, but additional data are needed to prove that conclusively. Therefore, this variant has been classified as Likely Pathogenic.

Genetics and Genomic Medicine Centre, NeuroGen Healthcare, NeuroGen Healthcare
Classification: Pathogenic for Cone-rod dystrophy 15. Last evaluated: 2021-02-25. Review status: criteria provided, single submitter. Criteria: Submitter's publication. Collection method: clinical testing. Allele origin: unknown. Affected: no.

Literature cited by the submitters: PubMed 16199547 (cited by Labcorp Genetics (formerly Invitae), Labcorp); PubMed 23044944 (cited by Labcorp Genetics (formerly Invitae), Labcorp); PubMed 23591405 (cited by Labcorp Genetics (formerly Invitae), Labcorp); PubMed 26103963 (cited by Labcorp Genetics (formerly Invitae), Labcorp); PubMed 26261414 (cited by Labcorp Genetics (formerly Invitae), Labcorp); PubMed 28765526 (cited by Labcorp Genetics (formerly Invitae), Labcorp).

NM_033100.4(CDHR1):c.56-1G>A

Gene: CDHR1 (cadherin related family member 1; plus strand). Cytogenetic location: 10q23.1.
Variant type: single nucleotide variant.
Coding change: c.56-1G>A on transcript NM_033100.4 (MANE Select); the canonical splice acceptor site of the intron before coding-DNA position 56, G replaced by A.
Molecular consequence: splice acceptor variant.
Genome position (GRCh38, 1-based): chr10:84,195,493, G>A. VCF-style: chr10-84195493-G-A. GRCh37 (hg19) VCF-style: chr10-85955249-G-A.
Other names: c.56-1G>A (NM_001171971.3).
Identifiers: ClinVar variation 1481629 (VCV001481629.10), dbSNP rs751972593, ClinGen allele CA5579393.
Genomic context (GRCh38, chr10:84,195,493, plus strand): 5'-CCCTCCTGGTGTCTGGGTGTCCTTTGCCTGGGTGTCCGTCTGTTCTGTGTTCTTTTTCCA[G>A]CTCAGGCCAACTTCGCCCCGCACTTCTTCGACAACGGGGTCGGCAGCACCAACGGAAACA-3'